The following is an entry in ClinVar:

ClinVar aggregate classification (germline): Conflicting classifications of pathogenicity. Review status: criteria provided, conflicting classifications (1 of 4 stars). 5 submissions from 5 submitters: Uncertain significance (1); Likely benign (3). 1 of the submissions does not count toward it. Last evaluated 2025-09-23.

Conditions:
ALG8 congenital disorder of glycosylation. Also called: CONGENITAL DISORDER OF GLYCOSYLATION, TYPE Ih; CDG Ih; ALG8-CDG. Identifiers: Orphanet 79325, MedGen C2931002, MONDO:0011969, OMIM 608104.
ALG8-related disorder.

Allele frequency attached by ClinVar (database versions not stated): 1000 Genomes Project 0.00020; 1000 Genomes Project 30x 0.00031; ESP Exome Variant Server 0.00046; TOPMed 0.00049.
gnomAD v4.1: 1,207 of 1,613,938 alleles (0.075%); highest among the groups gnomAD compares: Non-Finnish European, 0.095%; no homozygotes.

Submissions (5):

Labcorp Genetics (formerly Invitae), Labcorp
Classification: Likely benign for ALG8 congenital disorder of glycosylation. Last evaluated: 2025-09-23. Review status: criteria provided, single submitter. Criteria: Invitae Variant Classification Sherloc (09022015). Collection method: clinical testing. Allele origin: germline.

Blueprint Genetics
Classification: Likely benign. Last evaluated: 2024-11-11. Review status: criteria provided, single submitter. Criteria: ACMG Guidelines, 2015. Collection method: clinical testing. Allele origin: germline.

ARUP Laboratories, Molecular Genetics and Genomics, ARUP Laboratories
Classification: Likely benign. Last evaluated: 2024-10-11. Review status: criteria provided, single submitter. Criteria: ARUP Molecular Germline Variant Investigation Process 2024. Collection method: clinical testing. Allele origin: germline.

Illumina Laboratory Services, Illumina
Classification: Uncertain significance for ALG8 congenital disorder of glycosylation. Last evaluated: 2018-01-13. Review status: criteria provided, single submitter. Criteria: ICSL Variant Classification Criteria 13 December 2019. Collection method: clinical testing. Allele origin: germline.

PreventionGenetics, part of Exact Sciences
Classification: Likely benign for ALG8-related condition. Last evaluated: 2021-06-17. Review status: no assertion criteria provided. Collection method: clinical testing. Allele origin: germline. Not counted in ClinVar's aggregate classification.
Comment: This variant is classified as likely benign based on ACMG/AMP sequence variant interpretation guidelines (Richards et al. 2015 PMID: 25741868, with internal and published modifications).

NM_024079.5(ALG8):c.441A>T (p.Val147=)

Gene: ALG8 (ALG8 alpha-1,3-glucosyltransferase; minus strand). Cytogenetic location: 11q14.1.
Variant type: single nucleotide variant.
Coding change: c.441A>T on transcript NM_024079.5 (MANE Select); coding-DNA position 441, A replaced by T.
Protein change: p.Val147=; no amino-acid change (valine 147 retained).
Molecular consequence: synonymous variant.
Genome position (GRCh38, 1-based): chr11:78,121,102, T>A on the plus strand (A>T on the coding strand, the complement: ALG8 is on the minus strand). VCF-style: chr11-78121102-T-A. GRCh37 (hg19) VCF-style: chr11-77832148-T-A.
Other names: c.441A>T, p.Val147= (NM_001007027.3).
Identifiers: ClinVar variation 306224 (VCV000306224.19), dbSNP rs112109685, ClinGen allele CA6203482.